The following is an entry in ClinVar:

ClinVar aggregate classification (germline): Conflicting classifications of pathogenicity. Review status: criteria provided, conflicting classifications (1 of 4 stars). 4 submissions from 4 submitters: Uncertain significance (2); Likely benign (2). Last evaluated 2025-12-22.

Conditions:
Inborn genetic diseases. Identifiers: MedGen C0950123, MeSH D030342.
Charcot-Marie-Tooth disease type 2. Also called: Charcot-Marie-Tooth type 2. Identifiers: Orphanet 64746, MedGen C0270914, MONDO:0018993.

Allele frequency attached by ClinVar (database versions not stated): TOPMed 0.00008; 1000 Genomes Project 30x 0.00031.

Submissions (4):

Labcorp Genetics (formerly Invitae), Labcorp
Classification: Likely benign for Charcot-Marie-Tooth disease type 2. Last evaluated: 2025-12-22. Review status: criteria provided, single submitter. Criteria: Invitae Variant Classification Sherloc (09022015). Collection method: clinical testing. Allele origin: germline.

GeneDx
Classification: Uncertain significance. Last evaluated: 2025-11-25. Review status: criteria provided, single submitter. Criteria: GeneDx Variant Classification Process June 2021. Collection method: clinical testing. Allele origin: germline.
Comment: In silico analysis suggests that this missense variant does not alter protein structure/function; In a study to identified genetic markers associated with paclitaxel-induced neuropathy, p.I579M was found as a variant of equal risk and protection with paclitaxel-induced neuropathy (PMID: 27582484); This variant is associated with the following publications: (PMID: 25817015, 27582484)

Ambry Genetics
Classification: Uncertain significance for Inborn genetic diseases. Last evaluated: 2024-02-27. Review status: criteria provided, single submitter. Criteria: Ambry Variant Classification Scheme 2023. Collection method: clinical testing. Allele origin: germline.

Breakthrough Genomics
Classification: Likely benign. Review status: criteria provided, single submitter. Criteria: ACMG Guidelines, 2015. Collection method: not provided. Allele origin: germline. Inheritance: Autosomal recessive inheritance. Affected: yes.

NM_001605.3(AARS1):c.1737C>G (p.Ile579Met)

Gene: AARS1 (alanyl-tRNA synthetase 1; minus strand). Cytogenetic location: 16q22.1.
Variant type: single nucleotide variant.
Coding change: c.1737C>G on transcript NM_001605.3 (MANE Select); coding-DNA position 1737, C replaced by G.
Protein change: p.Ile579Met; replaces isoleucine 579 with methionine.
Molecular consequence: missense variant.
Genome position (GRCh38, 1-based): chr16:70,261,092, G>C on the plus strand (C>G on the coding strand, the complement: AARS1 is on the minus strand). VCF-style: chr16-70261092-G-C. GRCh37 (hg19) VCF-style: chr16-70294995-G-C.
Other names: short protein forms I579M.
Identifiers: ClinVar variation 696857 (VCV000696857.15), dbSNP rs144323646, ClinGen allele CA8140703.